The following is an entry in ClinVar:

NC_000023.10:g.(?_31893285)_(32486847_?)del

Gene: DMD (dystrophin; minus strand). Cytogenetic location: Xp21.1.
Variant type: Deletion.
Identifiers: ClinVar variation 3246784 (VCV003246784.1).

ClinVar aggregate classification (germline): Pathogenic (1 of 4 stars; one submission).

Conditions:
Duchenne muscular dystrophy (DMD). Also called: MUSCULAR DYSTROPHY, PSEUDOHYPERTROPHIC PROGRESSIVE, DUCHENNE TYPE; Duchenne Muscular Dystrophy (DMD). Identifiers: Orphanet 98896, MedGen C0013264, MONDO:0010679, OMIM 310200.

Submission:

Labcorp Genetics (formerly Invitae), Labcorp
Classification: Pathogenic for Duchenne muscular dystrophy. Last evaluated: 2023-01-17. Review status: criteria provided, single submitter. Criteria: Invitae Variant Classification Sherloc (09022015). Collection method: clinical testing. Allele origin: unknown.
Comment: For these reasons, this variant has been classified as Pathogenic. This variant disrupts a region of the DMD protein in which other variant(s) (Deletion (Exon 48)) have been determined to be pathogenic (PMID: 2063877, 9007319, 25482253, 28247318). This suggests that this is a clinically significant region of the protein, and that variants that disrupt it are likely to be disease-causing. This variant has not been reported in the literature in individuals affected with DMD-related conditions. This variant is a gross deletion of the genomic region encompassing exon(s) 23-48 of the DMD gene. This variant would be expected to be in-frame, preserving the integrity of the reading frame.

Literature cited by the submitters: PubMed 2063877; PubMed 9007319; PubMed 25482253; PubMed 28247318.